The following is an entry in ClinVar:

NM_001267550.2(TTN):c.49032G>A (p.Val16344=)

Genes: TTN (titin; minus strand), TTN-AS1 (TTN antisense RNA 1; plus strand), LOC126806426 (BRD4-independent group 4 enhancer GRCh37_chr2:179478848-179480047; plus strand). Cytogenetic location: 2q31.2.
Variant type: single nucleotide variant.
Coding change: c.49032G>A on transcript NM_001267550.2 (MANE Select); coding-DNA position 49032, G replaced by A.
Protein change: p.Val16344=; no amino-acid change (valine 16344 retained).
Molecular consequence: synonymous variant. On other transcripts: non-coding transcript variant (1).
Genome position (GRCh38, 1-based): chr2:178,614,482, C>T on the plus strand (G>A on the coding strand, the complement: TTN is on the minus strand). VCF-style: chr2-178614482-C-T. GRCh37 (hg19) VCF-style: chr2-179479209-C-T.
Other names: p.V14703V:GTG>GTA; c.44109G>A, p.Val14703= (NM_001256850.1); c.21837G>A, p.Val7279= (NM_003319.4); c.41328G>A, p.Val13776= (NM_133378.4); c.22212G>A, p.Val7404= (NM_133432.3); c.22413G>A, p.Val7471= (NM_133437.4).
Identifiers: ClinVar variation 137792 (VCV000137792.18), dbSNP rs587780980, ClinGen allele CA291455.

ClinVar aggregate classification (germline): Conflicting classifications of pathogenicity. Review status: criteria provided, conflicting classifications (1 of 4 stars). 5 submissions from 5 submitters: Uncertain significance (2); Benign (1); Likely benign (2). Last evaluated 2025-03-01.

Conditions:
Cardiovascular phenotype. Identifiers: MedGen CN230736.

Allele frequency attached by ClinVar (database versions not stated): gnomAD exomes 0.00002 and 0.00007; TOPMed 0.00002; ExAC 0.00003; gnomAD 0.00002.
gnomAD v4.1: 98 of 1,605,938 alleles (0.0061%); highest among the groups gnomAD compares: Non-Finnish European, 0.0082%; no homozygotes.

Submissions (5):

CeGaT Center for Human Genetics Tuebingen
Classification: Likely benign. Last evaluated: 2025-03-01. Review status: criteria provided, single submitter. Criteria: CeGaT Center For Human Genetics Tuebingen Variant Classification Criteria Version 2. Collection method: clinical testing. Allele origin: germline. Affected: yes. Observed: 1 variant allele.
Comment: TTN: BP4, BP7

Ambry Genetics
Classification: Likely benign for Cardiovascular phenotype. Last evaluated: 2023-09-18. Review status: criteria provided, single submitter. Criteria: Ambry Variant Classification Scheme 2023. Collection method: clinical testing. Allele origin: germline.

Revvity Omics, Revvity
Classification: Uncertain significance. Last evaluated: 2019-07-17. Review status: criteria provided, single submitter. Criteria: ACMG Guidelines, 2015. Collection method: clinical testing. Allele origin: germline.

Eurofins Ntd Llc (ga)
Classification: Uncertain significance. Last evaluated: 2015-09-01. Review status: criteria provided, single submitter. Criteria: EGL Classification Definitions 2015. Collection method: clinical testing. Allele origin: germline. Observed: 1 variant allele, 1 heterozygote.

GeneDx
Classification: Benign. Last evaluated: 2014-05-02. Review status: criteria provided, single submitter. Criteria: GeneDx Variant Classification (06012015). Collection method: clinical testing. Allele origin: germline. Affected: yes.
Comment: This variant is considered likely benign or benign based on one or more of the following criteria: it is a conservative change, it occurs at a poorly conserved position in the protein, it is predicted to be benign by multiple in silico algorithms, and/or has population frequency not consistent with disease.